The following is an entry in ClinVar:

ClinVar aggregate classification (germline): Uncertain significance (1 of 4 stars; one submission).

gnomAD v4.1: 6 of 1,209,466 alleles (0.0005%); highest among the groups gnomAD compares: African/African-American, 0.0018%; no homozygotes.

Submission:

GeneDx
Classification: Uncertain significance. Last evaluated: 2025-03-26. Review status: criteria provided, single submitter. Criteria: GeneDx Variant Classification Process June 2021. Collection method: clinical testing. Allele origin: germline. Affected: yes.
Comment: In silico analysis indicates that this missense variant does not alter protein structure/function; Has not been previously published as pathogenic or benign to our knowledge

NM_004606.5(TAF1):c.5169A>T (p.Glu1723Asp)

Gene: TAF1 (TATA-box binding protein associated factor 1; plus strand). Cytogenetic location: Xq13.1.
Variant type: single nucleotide variant.
Coding change: c.5169A>T on transcript NM_004606.5 (MANE Select); coding-DNA position 5169, A replaced by T.
Protein change: p.Glu1723Asp; replaces glutamic acid 1723 with aspartic acid.
Molecular consequence: missense variant. On other transcripts: non-coding transcript variant (9).
Genome position (GRCh38, 1-based): chrX:71,459,656, A>T. VCF-style: chrX-71459656-A-T. GRCh37 (hg19) VCF-style: chrX-70679506-A-T.
Other names: c.5175A>T, p.Glu1725Asp (NM_001286074.2); c.5106A>T, p.Glu1702Asp (NM_138923.4); short protein forms E1702D, E1723D, E1725D.
Identifiers: ClinVar variation 3372149 (VCV003372149.2).
Genomic context (GRCh38, chrX:71,459,656, plus strand): 5'-AACTGTACAACAGCCTCAAGCCAGTGTCCTGTATGAGGATTTGCTTATGTCTGAAGGAGA[A>T]GATGATGAGGAAGATGCTGGGAGTGATGAAGAAGGAGACAATCCTTTCTCTGGTAGGCCT-3'
Protein context (NP_004597.3, residues 1713-1733): LYEDLLMSEG[Glu1723Asp]DDEEDAGSDE